The following is an entry in ClinVar:

ClinVar aggregate classification (germline): Conflicting classifications of pathogenicity. Review status: criteria provided, conflicting classifications (1 of 4 stars). 2 submissions from 2 submitters: Uncertain significance (1); Likely benign (1). Last evaluated 2025-03-22.

Allele frequency attached by ClinVar (database versions not stated): ExAC 0.00012; 1000 Genomes Project 0.00020; 1000 Genomes Project 30x 0.00031; ESP Exome Variant Server 0.00033; gnomAD 0.00038; TOPMed 0.00049.
gnomAD v4.1: 289 of 1,613,848 alleles (0.018%); highest among the groups gnomAD compares: African/African-American, 0.11%; no homozygotes.

Submissions (2):

Ambry Genetics
Classification: Uncertain significance. Last evaluated: 2025-03-22. Review status: criteria provided, single submitter. Criteria: Ambry Variant Classification Scheme 2023. Collection method: clinical testing. Allele origin: germline.

CeGaT Center for Human Genetics Tuebingen
Classification: Likely benign. Last evaluated: 2023-12-01. Review status: criteria provided, single submitter. Criteria: CeGaT Center For Human Genetics Tuebingen Variant Classification Criteria Version 2. Collection method: clinical testing. Allele origin: germline. Affected: yes. Observed: 1 variant allele.
Comment: TRANK1: BP4

NM_001329998.2(TRANK1):c.7982G>A (p.Arg2661His)

Gene: TRANK1 (tetratricopeptide repeat and ankyrin repeat containing 1; minus strand). Cytogenetic location: 3p22.2.
Variant type: single nucleotide variant.
Coding change: c.7982G>A on transcript NM_001329998.2 (MANE Select); coding-DNA position 7982, G replaced by A.
Protein change: p.Arg2661His; replaces arginine 2661 with histidine.
Molecular consequence: missense variant.
Genome position (GRCh38, 1-based): chr3:36,831,601, C>T on the plus strand (G>A on the coding strand, the complement: TRANK1 is on the minus strand). VCF-style: chr3-36831601-C-T. GRCh37 (hg19) VCF-style: chr3-36873092-C-T.
Other names: c.7850G>A, p.Arg2617His (NM_014831.3); short protein forms R2661H, R2617H.
Identifiers: ClinVar variation 2382587 (VCV002382587.24), dbSNP rs200132397, ClinGen allele CA2306055.